The following is an entry in ClinVar:

ClinVar aggregate classification (germline): Uncertain significance (1 of 4 stars; one submission).

gnomAD v4.1: 6 of 1,602,772 alleles (0.00037%); highest among the groups gnomAD compares: Admixed American, 0.01%; no homozygotes.

Submission:

Ambry Genetics
Classification: Uncertain significance. Last evaluated: 2026-07-03. Review status: criteria provided, single submitter. Criteria: Ambry Variant Classification Scheme 2023. Collection method: clinical testing. Allele origin: germline.
Comment: The c.11T>A (p.V4E) alteration is located in exon 2 (coding exon 1) of the TRIM17 gene. This alteration results from a T to A substitution at nucleotide position 11, causing the valine (V) at amino acid position 4 to be replaced by a glutamic acid (E). Based on data from gnomAD, the A allele has an overall frequency of 0.001% (3/242324) total alleles studied. The highest observed frequency was 0.009% (3/34296) of Latino alleles. Based on insufficient or conflicting evidence, the clinical significance of this alteration remains unclear.

NM_016102.4(TRIM17):c.11T>A (p.Val4Glu)

Gene: TRIM17 (tripartite motif containing 17; minus strand). Cytogenetic location: 1q42.13.
Variant type: single nucleotide variant.
Coding change: c.11T>A on transcript NM_016102.4 (MANE Select); coding-DNA position 11, T replaced by A.
Protein change: p.Val4Glu; replaces valine 4 with glutamic acid.
Molecular consequence: missense variant. On other transcripts: intron variant (1).
Genome position (GRCh38, 1-based): chr1:228,415,062, A>T on the plus strand (T>A on the coding strand, the complement: TRIM17 is on the minus strand). VCF-style: chr1-228415062-A-T. GRCh37 (hg19) VCF-style: chr1-228602763-A-T.
Other names: c.11T>A, p.Val4Glu (NM_001024940.3, NM_001134855.2); c.-8-63T>A (NM_001438323.1); short protein forms V4E.
Identifiers: ClinVar variation 5031111 (VCV005031111.1).
Genomic context (GRCh38, chr1:228,415,062, plus strand): 5'-GTGAAGTAATCCAGACAGATGGAGCACGTAGCTTCCTCCTGCAGTTTTCTGGCGAGTTCC[A>T]CAGCCTCCATGGCTCCTGGGAGACACGAGGCAGGTTCCCGCTTGAGGGACTCTGGAGAGA-3'
Protein context (NP_057186.1, residues 1-14): MEA[Val4Glu]ELARKLQEEA